The following is an entry in ClinVar:

NM_001244710.2(GFPT1):c.116-12A>G

Gene: GFPT1 (glutamine--fructose-6-phosphate transaminase 1; minus strand). Cytogenetic location: 2p13.3.
Variant type: single nucleotide variant.
Coding change: c.116-12A>G on transcript NM_001244710.2 (MANE Select); 12 bases into the intron before coding-DNA position 116, A replaced by G.
Molecular consequence: intron variant.
Genome position (GRCh38, 1-based): chr2:69,370,120, T>C on the plus strand (A>G on the coding strand, the complement: GFPT1 is on the minus strand). VCF-style: chr2-69370120-T-C. GRCh37 (hg19) VCF-style: chr2-69597252-T-C.
Other names: c.116-12A>G (NM_002056.4).
Identifiers: ClinVar variation 257666 (VCV000257666.14), dbSNP rs540758570, ClinGen allele CA1693968.

ClinVar aggregate classification (germline): Benign/Likely benign. Review status: criteria provided, multiple submitters, no conflicts (2 of 4 stars). 4 submissions from 4 submitters: Benign (2); Likely benign (2). Last evaluated 2026-01-26.

Conditions:
Congenital myasthenic syndrome 12 (CMS12). Also called: MYASTHENIC SYNDROME, CONGENITAL, WITH TUBULAR AGGREGATES 1; Myasthenia, congenital, 12, with tubular aggregates. Identifiers: Orphanet 353327, Orphanet 590, MedGen C3552335, MONDO:0012518, OMIM 610542.

Allele frequency attached by ClinVar (database versions not stated): gnomAD below 0.00001 and 0.00022; TOPMed 0.00006; gnomAD exomes 0.00044 and 0.00083; ExAC 0.00101; 1000 Genomes Project 30x 0.00109; 1000 Genomes Project 0.00120.
gnomAD v4.1: 669 of 1,570,332 alleles (0.043%); highest among the groups gnomAD compares: South Asian, 0.68%; 5 homozygotes.

Submissions (4):

Labcorp Genetics (formerly Invitae), Labcorp
Classification: Benign for Congenital myasthenic syndrome 12. Last evaluated: 2026-01-26. Review status: criteria provided, single submitter. Criteria: Invitae Variant Classification Sherloc (09022015). Collection method: clinical testing. Allele origin: germline.

Blueprint Genetics
Classification: Likely benign. Last evaluated: 2024-11-08. Review status: criteria provided, single submitter. Criteria: ACMG Guidelines, 2015. Collection method: clinical testing. Allele origin: germline.

Illumina Laboratory Services, Illumina
Classification: Likely benign for Congenital myasthenic syndrome 12. Last evaluated: 2018-01-12. Review status: criteria provided, single submitter. Criteria: ICSL Variant Classification Criteria 13 December 2019. Collection method: clinical testing. Allele origin: germline.
Comment: This variant was observed in the ICSL laboratory as part of a predisposition screen in an ostensibly healthy population. It had not been previously curated by ICSL or reported in the Human Gene Mutation Database (HGMD: prior to June 1st, 2018), and was therefore a candidate for classification through an automated scoring system. Utilizing variant allele frequency, disease prevalence and penetrance estimates, and inheritance mode, an automated score was calculated to assess if this variant is too frequent to cause the disease. Based on the score and internal cut-off values, a variant classified as likely benign is not then subjected to further curation. The score for this variant resulted in a classification of likely benign for this disease.

PreventionGenetics, part of Exact Sciences
Classification: Benign. Review status: criteria provided, single submitter. Criteria: ACMG Guidelines, 2015. Collection method: clinical testing. Allele origin: germline.